The following is an entry in ClinVar:

NM_003622.4(PPFIBP1):c.602_603del (p.Glu201fs)

Gene: PPFIBP1 (PPFIB scaffold protein 1; plus strand). Cytogenetic location: 12p11.22.
Variant type: Microsatellite.
Coding change: c.602_603del on transcript NM_003622.4 (MANE Select); coding-DNA positions 602 to 603, 2 bases deleted (AG; older notation c.602_603delAG).
Protein change: p.Glu201fs; shifts the reading frame from glutamic acid 201.
Molecular consequence: frameshift variant.
Genome position (GRCh38, 1-based): chr12:27,650,140-27,650,141, AG deleted; deleting any 2 consecutive bases within chr12:27,650,138-27,650,141 gives the same sequence; the c. name uses the placement nearest the transcript's 3' end. VCF-style (leftmost placement, unchanged base first): chr12-27650137-CAG-C. GRCh37 (hg19) VCF-style: chr12-27803070-CAG-C.
Other names: c.143_144del, p.Glu48fs (NM_001198915.2); c.602_603del, p.Glu201fs (NM_001198916.2, NM_177444.3); short protein forms E201fs, E48fs.
Identifiers: ClinVar variation 4850167 (VCV004850167.1).
Genomic context (GRCh38, chr12:27,650,137, plus strand): 5'-AGTTGAAACTGACAGCTGTAGAGAAGGACAGATTGGATTATGAAGATAAGTTCAGAGACA[CAG>C]AGGTGAGTGATACAGTCTCTCCTCCCTCTCTCTCTCTCTCTGTCACTCTGTCTTTGTCTC-3'

ClinVar aggregate classification (germline): Likely pathogenic (1 of 4 stars; one submission).

Conditions:
Neurodevelopmental disorder with seizures, microcephaly, and brain abnormalities (NEDSMBA). Identifiers: MedGen C5774209, MONDO:0859283, OMIM 620024.

Submission:

Variantyx, Inc.
Classification: Likely pathogenic for Neurodevelopmental disorder with seizures, microcephaly, and brain abnormalities. Last evaluated: 2025-04-29. Review status: criteria provided, single submitter. Criteria: Variantyx Assertion Criteria 2022. Collection method: clinical testing. Allele origin: germline. Inheritance: Autosomal recessive inheritance. Affected: no.
Comment: This is a frameshift variant in the PPFIBP1 gene (OMIM: 603141). Pathogenic variants in this gene have been associated with autosomal recessive neurodevelopmental disorder with seizures, microcephaly, and brain abnormalities. This variant introduces a premature termination codon in exon 7 out of 30 and is expected to result in loss of function, which is a known disease mechanism for PPFIBP1 in this disorder (PVS1) (PMID:30214071). This variant has a 0.0024% maximum allele frequency in non-founder control populations (PM2) and it has not been reported in individuals with PPFIBP1-related disorders in the databases available for review. Based on the current evidence, this variant is classified as likely pathogenic for autosomal recessive neurodevelopmental disorder with seizures, microcephaly, and brain abnormalities.

Literature cited by the submitters: PubMed 30214071.